The following is an entry in ClinVar:

ClinVar aggregate classification (germline): Uncertain significance (1 of 4 stars; one submission).

Allele frequency attached by ClinVar (database versions not stated): gnomAD exomes 0.00009; ExAC 0.00013; 1000 Genomes Project 30x 0.00031; gnomAD 0.00035 and 0.00038; TOPMed 0.00036; 1000 Genomes Project 0.00040; ESP Exome Variant Server 0.00042.
gnomAD v4.1: 86 of 1,613,950 alleles (0.0053%); highest among the groups gnomAD compares: African/African-American, 0.11%; no homozygotes.

Submission:

GeneDx
Classification: Uncertain significance. Last evaluated: 2023-05-02. Review status: criteria provided, single submitter. Criteria: GeneDx Variant Classification Process June 2021. Collection method: clinical testing. Allele origin: germline. Affected: yes.
Comment: In silico analysis supports that this missense variant does not alter protein structure/function; Has not been previously published as pathogenic or benign to our knowledge

NM_144508.5(KNL1):c.2945G>A (p.Ser982Asn)

Gene: KNL1 (kinetochore scaffold 1; plus strand). Cytogenetic location: 15q15.1.
Variant type: single nucleotide variant.
Coding change: c.2945G>A on transcript NM_144508.5 (MANE Select); coding-DNA position 2945, G replaced by A.
Protein change: p.Ser982Asn; replaces serine 982 with asparagine.
Molecular consequence: missense variant.
Genome position (GRCh38, 1-based): chr15:40,623,209, G>A. VCF-style: chr15-40623209-G-A. GRCh37 (hg19) VCF-style: chr15-40915407-G-A.
Other names: c.3023G>A, p.Ser1008Asn (NM_170589.5); short protein forms S1008N, S982N.
Identifiers: ClinVar variation 1199729 (VCV001199729.4), dbSNP rs200892817, ClinGen allele CA7482930.
Genomic context (GRCh38, chr15:40,623,209, plus strand): 5'-TTGACTACCAAGAAAAGGAAAGAACAGACAGACCTAACTTTGAACTATCCCAAAGGAAAA[G>A]CCTAGGAACACCAACAGTGATATGTACTCCTACTGAGGAGAGTGTTTTCTTTCCAGGAAA-3'
Protein context (NP_653091.3, residues 972-992): RPNFELSQRK[Ser982Asn]LGTPTVICTP